The following is an entry in ClinVar:

NM_198525.3(KIF7):c.1324G>T (p.Asp442Tyr)

Gene: KIF7 (kinesin family member 7; minus strand). Cytogenetic location: 15q26.1.
Variant type: single nucleotide variant.
Coding change: c.1324G>T on transcript NM_198525.3 (MANE Select); coding-DNA position 1324, G replaced by T.
Protein change: p.Asp442Tyr; replaces aspartic acid 442 with tyrosine.
Molecular consequence: missense variant.
Genome position (GRCh38, 1-based): chr15:89,648,374, C>A on the plus strand (G>T on the coding strand, the complement: KIF7 is on the minus strand). VCF-style: chr15-89648374-C-A. GRCh37 (hg19) VCF-style: chr15-90191605-C-A.
Other names: short protein forms D442Y.
Identifiers: ClinVar variation 886283 (VCV000886283.9), dbSNP rs747307729, ClinGen allele CA274582428.

ClinVar aggregate classification (germline): Uncertain significance. Review status: criteria provided, multiple submitters, no conflicts (2 of 4 stars). 4 submissions from 4 submitters: Uncertain significance (4). Last evaluated 2026-03-11.

Conditions:
Acrocallosal syndrome (ACLS). Also called: HALLUX DUPLICATION, POSTAXIAL POLYDACTYLY, AND ABSENCE OF CORPUS CALLOSUM; Schinzel syndrome 1; Absence of corpus callosum with unusual facial appearance, mental deficiency, duplication of the halluces and polydactyly. Identifiers: Orphanet 36, MedGen C0796147, MONDO:0008708, OMIM 200990.

Allele frequency attached by ClinVar (database versions not stated): TOPMed 0.00012; gnomAD 0.00016 and 0.00017; gnomAD exomes 0.00018.
gnomAD v4.1: 329 of 1,230,078 alleles (0.027%); highest among the groups gnomAD compares: Non-Finnish European, 0.032%; no homozygotes.

Submissions (4):

GeneDx
Classification: Uncertain significance. Last evaluated: 2026-03-11. Review status: criteria provided, single submitter. Criteria: GeneDx Variant Classification Process June 2021. Collection method: clinical testing. Allele origin: germline.
Comment: In silico analysis supports that this missense variant has a deleterious effect on protein structure/function; Has not been previously published as pathogenic or benign to our knowledge

Blueprint Genetics
Classification: Uncertain significance. Last evaluated: 2024-10-18. Review status: criteria provided, single submitter. Criteria: ACMG Guidelines, 2015. Collection method: clinical testing. Allele origin: germline.

Labcorp Genetics (formerly Invitae), Labcorp
Classification: Uncertain significance for Acrocallosal syndrome. Last evaluated: 2022-10-04. Review status: criteria provided, single submitter. Criteria: Invitae Variant Classification Sherloc (09022015). Collection method: clinical testing. Allele origin: germline.
Comment: This sequence change replaces aspartic acid, which is acidic and polar, with tyrosine, which is neutral and polar, at codon 442 of the KIF7 protein (p.Asp442Tyr). The frequency data for this variant in the population databases is considered unreliable, as metrics indicate poor data quality at this position in the gnomAD database. This variant has not been reported in the literature in individuals affected with KIF7-related conditions. ClinVar contains an entry for this variant (Variation ID: 886283). Advanced modeling of protein sequence and biophysical properties (such as structural, functional, and spatial information, amino acid conservation, physicochemical variation, residue mobility, and thermodynamic stability) performed at Invitae indicates that this missense variant is not expected to disrupt KIF7 protein function. In summary, the available evidence is currently insufficient to determine the role of this variant in disease. Therefore, it has been classified as a Variant of Uncertain Significance.

Illumina Laboratory Services, Illumina
Classification: Uncertain significance for Acrocallosal syndrome. Last evaluated: 2018-01-13. Review status: criteria provided, single submitter. Criteria: ICSL Variant Classification Criteria 13 December 2019. Collection method: clinical testing. Allele origin: germline.